The following is an entry in ClinVar:

NM_001372044.2(SHANK3):c.4627C>T (p.Gln1543Ter)

Gene: SHANK3 (SH3 and multiple ankyrin repeat domains 3; plus strand). Cytogenetic location: 22q13.33.
Variant type: single nucleotide variant.
Coding change: c.4627C>T on transcript NM_001372044.2 (MANE Select); coding-DNA position 4627, C replaced by T.
Protein change: p.Gln1543Ter; replaces glutamine 1543 with a stop codon.
Molecular consequence: nonsense.
Genome position (GRCh38, 1-based): chr22:50,722,235, C>T. VCF-style: chr22-50722235-C-T. GRCh37 (hg19) VCF-style: chr22-51160663-C-T.
Other names: c.4402C>T, p.Gln1468Ter (NM_033517.1); short protein forms Q1468*, Q1543*.
Identifiers: ClinVar variation 422407 (VCV000422407.5), dbSNP rs1064795759, ClinGen allele CA16621142.
Genomic context (GRCh38, chr22:50,722,235, plus strand): 5'-CACGCCGCCTCTGCCGGGCTGGCCTCTGCCGCCGGGCCTGCCCGCCCTCGCTACCTCTTC[C>T]AGAGAAGGTCCAAGCTATGGGGGGACCCCGTGGAGAGCCGGGGGCTCCCTGGGCCTGAAG-3'

ClinVar aggregate classification (germline): Pathogenic/Likely pathogenic. Review status: criteria provided, multiple submitters, no conflicts (2 of 4 stars). 2 submissions from 2 submitters: Pathogenic (1); Likely pathogenic (1). Last evaluated 2018-01-18.

Conditions:
Inborn genetic diseases. Identifiers: MedGen C0950123, MeSH D030342.

Submissions (2):

Ambry Genetics
Classification: Pathogenic for Inborn genetic diseases. Last evaluated: 2018-01-18. Review status: criteria provided, single submitter. Criteria: Ambry exome assertion method (8-5-2015). Collection method: clinical testing. Allele origin: germline. Affected: yes. Observed: 1 variant allele.

GeneDx
Classification: Likely pathogenic. Last evaluated: 2016-10-12. Review status: criteria provided, single submitter. Criteria: GeneDx Variant Classification (06012015). Collection method: clinical testing. Allele origin: germline. Affected: yes.
Comment: The Q1468X variant in the SHANK3 gene has not been reported previously as a pathogenic variantnor as a benign variant, to our knowledge. This variant is predicted to cause loss of normal proteinfunction either through protein truncation or nonsense-mediated mRNA decay. The Q1468X variantwas not observed in approximately 6000 individuals of European and African American ancestry inthe NHLBI Exome Sequencing Project, indicating it is not a common benign variant in thesepopulations. We interpret Q1468X as a likely pathogenic variant

Literature cited by the submitters: PubMed 26185613 (cited by Ambry Genetics).